The following is an entry in ClinVar:

NM_020778.5(ALPK3):c.2645_2670del (p.Gly882fs)

Gene: ALPK3 (alpha kinase 3; plus strand). Cytogenetic location: 15q25.3.
Variant type: Deletion.
Coding change: c.2645_2670del on transcript NM_020778.5 (MANE Select); coding-DNA positions 2645 to 2670, 26 bases deleted (GGCCGTGTAGCACCCCGACTTCTCAG).
Protein change: p.Gly882fs; shifts the reading frame from glycine 882.
Molecular consequence: frameshift variant.
Genome position (GRCh38, 1-based): chr15:84,857,383-84,857,408, GGCCGTGTAGCACCCCGACTTCTCAG deleted; deleting any 26 consecutive bases within chr15:84,857,382-84,857,408 gives the same sequence; the c. name uses the placement nearest the transcript's 3' end. VCF-style (leftmost placement, unchanged base first): chr15-84857381-GGGGCCGTGTAGCACCCCGACTTCTCA-G. GRCh37 (hg19) VCF-style: chr15-85400612-GGGGCCGTGTAGCACCCCGACTTCTCA-G.
Other names: c.3251_3276del26 (NM_020778.4); short protein forms G882fs.
Identifiers: ClinVar variation 929952 (VCV000929952.5), dbSNP rs1963877824, ClinGen allele CA1139664119.
Genomic context (GRCh38, chr15:84,857,381, plus strand): 5'-CCAGGAGGTACCCACGATGCCTTCTCTTCCTGGAACTGGGCTGACAGCTAGCCCAAAGGC[GGGGCCGTGTAGCACCCCGACTTCTCA>G]GCACGGGAGCACAGCCACCTTCCTGCCCTCTGAGGATCAGGTCCTGATGAGTTCTGCCCC-3'

ClinVar aggregate classification (germline): Pathogenic/Likely pathogenic. Review status: criteria provided, multiple submitters, no conflicts (2 of 4 stars). 2 submissions from 2 submitters: Pathogenic (1); Likely pathogenic (1). Last evaluated 2024-09-28.

Conditions:
Cardiovascular phenotype. Identifiers: MedGen CN230736.
Hypertrophic cardiomyopathy. Also called: HYPERTROPHIC MYOCARDIOPATHY. Identifiers: Orphanet 217569, MedGen C0007194, MeSH D002312, MONDO:0005045, HP:0001639.

Submissions (2):

Ambry Genetics
Classification: Pathogenic for Cardiovascular phenotype. Last evaluated: 2024-09-28. Review status: criteria provided, single submitter. Criteria: Ambry Variant Classification Scheme 2023. Collection method: clinical testing. Allele origin: germline.
Comment: The c.3251_3276del26 pathogenic mutation, located in coding exon 6 of the ALPK3 gene, results from a deletion of 26 nucleotides at nucleotide positions 3251 to 3276, causing a translational frameshift with a predicted alternate stop codon (p.G1084Afs*11). This variant has been reported in a cardiomyopathy cohort (Akinrinade O et al. J Cardiovasc Transl Res, 2023 Dec;16:1287-1302). This variant is considered to be rare based on population cohorts in the Genome Aggregation Database (gnomAD). In addition to the clinical data presented in the literature, this alteration is expected to result in loss of function by premature protein truncation or nonsense-mediated mRNA decay. As such, this alteration is interpreted as a disease-causing mutation.

Laboratory for Molecular Medicine, Mass General Brigham Personalized Medicine
Classification: Likely pathogenic for Hypertrophic cardiomyopathy. Last evaluated: 2019-04-03. Review status: criteria provided, single submitter. Criteria: LMM Criteria. Collection method: clinical testing. Allele origin: germline. Inheritance: Autosomal recessive inheritance. Observed: 1 variant allele.
Comment: The p.Gly1084AlafsX11 variant in ALPK3 has not been previously reported in individuals with hypertrophic cardiomyopathy and was absent from large population studies. This variant is predicted to cause a frameshift, which alters the proteinâ€™s amino acid sequence beginning at position 1084 and leads to a premature termination codon 11 amino acids downstream. This alteration is then predicted to lead to a truncated or absent protein. Loss of function of the ALPK3 gene is an established disease mechanism in autosomal recessive hypertrophic cardiomyopathy. In summary, although additional studies are required to fully establish its clinical significance, this variant meets criteria to be classified as likely pathogenic for autosomal recessive hypertrophic cardiomyopathy. ACMG/AMP Criteria applied: PVS1, PM2.

Literature cited by the submitters: PubMed 37477868 (cited by Ambry Genetics).